The following is an entry in ClinVar:

ClinVar aggregate classification (germline): Uncertain significance. Review status: criteria provided, multiple submitters, no conflicts (2 of 4 stars). 2 submissions from 2 submitters: Uncertain significance (2). Last evaluated 2024-07-17.

Submissions (2):

Blueprint Genetics
Classification: Uncertain significance. Last evaluated: 2024-07-17. Review status: criteria provided, single submitter. Criteria: ACMG Guidelines, 2015. Collection method: clinical testing. Allele origin: germline.

Labcorp Genetics (formerly Invitae), Labcorp
Classification: Uncertain significance. Last evaluated: 2022-10-05. Review status: criteria provided, single submitter. Criteria: Invitae Variant Classification Sherloc (09022015). Collection method: clinical testing. Allele origin: germline.
Comment: This variant, c.122_124dup, results in the insertion of 1 amino acid(s) of the KIAA1549 protein (p.Arg41dup), but otherwise preserves the integrity of the reading frame. This variant is present in population databases (no rsID available, gnomAD 0.04%). This variant has not been reported in the literature in individuals affected with KIAA1549-related conditions. Experimental studies and prediction algorithms are not available or were not evaluated, and the functional significance of this variant is currently unknown. In summary, the available evidence is currently insufficient to determine the role of this variant in disease. Therefore, it has been classified as a Variant of Uncertain Significance.

NM_001164665.2(KIAA1549):c.113GCC[5] (p.Arg41dup)

Gene: KIAA1549 (KIAA1549; minus strand). Cytogenetic location: 7q34.
Variant type: Microsatellite.
Coding change: c.113GCC[5] on transcript NM_001164665.2 (MANE Select); five copies in a row of the 3-base unit GCC starting at c.113; the reference has four copies in a row; one copy, 3 bases duplicated.
Protein change: p.Arg41dup; duplicates arginine 41.
Molecular consequence: inframe insertion.
Genome position (GRCh38, 1-based): chr7:138,981,146-138,981,148, GGC duplicated on the plus strand (GCC on the coding strand, the reverse complement: KIAA1549 is on the minus strand); duplicating any 3 consecutive bases within chr7:138,981,146-138,981,159 gives the same sequence; the position shown is the placement nearest the transcript's 3' end. VCF-style (leftmost placement, unchanged base first): chr7-138981145-G-GGGC. GRCh37 (hg19) VCF-style: chr7-138665891-G-GGGC.
Other names: c.113GCC[5], p.Arg41dup (NM_020910.3).
Identifiers: ClinVar variation 1005423 (VCV001005423.5), dbSNP rs986818086, ClinGen allele CA167169264.